The following is an entry in ClinVar:

ClinVar aggregate classification (germline): Uncertain significance. Review status: criteria provided, single submitter (1 of 4 stars). 2 submissions from 2 submitters: Uncertain significance (1). 1 of the submissions does not count toward it. Last evaluated 2024-08-31.

Conditions:
Autosomal dominant Parkinson disease 8. Also called: LRRK2-Related Parkinson Disease; Parkinson disease 8; Parkinson disease 8, susceptibility to. Identifiers: Orphanet 411602, MedGen C1846862, MONDO:0011764, OMIM 607060.

Allele frequency attached by ClinVar (database versions not stated): gnomAD 0.00002 and 0.00003; gnomAD exomes 0.00002 and 0.00003; TOPMed 0.00002; ExAC 0.00003.
gnomAD v4.1: 30 of 1,613,626 alleles (0.0019%); highest among the groups gnomAD compares: East Asian, 0.016%; no homozygotes.

Submissions (2):

Labcorp Genetics (formerly Invitae), Labcorp
Classification: Uncertain significance for Autosomal dominant Parkinson disease 8. Last evaluated: 2024-08-31. Review status: criteria provided, single submitter. Criteria: Invitae Variant Classification Sherloc (09022015). Collection method: clinical testing. Allele origin: germline.
Comment: This sequence change replaces arginine, which is basic and polar, with glutamine, which is neutral and polar, at codon 1067 of the LRRK2 protein (p.Arg1067Gln). This variant is present in population databases (rs111341148, gnomAD 0.02%). This missense change has been observed in individual(s) with Parkinson disease (PMID: 16247070, 19343804, 29248340, 30502028, 30598256, 32794657, 35861376). ClinVar contains an entry for this variant (Variation ID: 39161). Invitae Evidence Modeling of protein sequence and biophysical properties (such as structural, functional, and spatial information, amino acid conservation, physicochemical variation, residue mobility, and thermodynamic stability) has been performed for this missense variant. However, the output from this modeling did not meet the statistical confidence thresholds required to predict the impact of this variant on LRRK2 protein function. Experimental studies are conflicting or provide insufficient evidence to determine the effect of this variant on LRRK2 function (PMID: 20642453, 22004453). In summary, the available evidence is currently insufficient to determine the role of this variant in disease. Therefore, it has been classified as a Variant of Uncertain Significance.

GeneReviews
No classification provided. Condition: Autosomal dominant Parkinson disease 8. Review status: no classification provided. Collection method: literature only. Allele origin: unknown. Not counted in ClinVar's aggregate classification.

Literature cited by the submitters: PubMed 16247070 (cited by Labcorp Genetics (formerly Invitae), Labcorp); PubMed 19343804 (cited by Labcorp Genetics (formerly Invitae), Labcorp); PubMed 29248340 (cited by Labcorp Genetics (formerly Invitae), Labcorp); PubMed 30502028 (cited by Labcorp Genetics (formerly Invitae), Labcorp); PubMed 30598256 (cited by Labcorp Genetics (formerly Invitae), Labcorp); PubMed 32794657 (cited by Labcorp Genetics (formerly Invitae), Labcorp); PubMed 35861376 (cited by Labcorp Genetics (formerly Invitae), Labcorp); PubMed 20642453 (cited by Labcorp Genetics (formerly Invitae), Labcorp); PubMed 22004453 (cited by Labcorp Genetics (formerly Invitae), Labcorp); PubMed 20301387 (cited by GeneReviews); NCBI Bookshelf NBK1208 (cited by GeneReviews).

NM_198578.4(LRRK2):c.3200G>A (p.Arg1067Gln)

Gene: LRRK2 (leucine rich repeat kinase 2; plus strand). Cytogenetic location: 12q12.
Variant type: single nucleotide variant.
Coding change: c.3200G>A on transcript NM_198578.4 (MANE Select); coding-DNA position 3200, G replaced by A.
Protein change: p.Arg1067Gln; replaces arginine 1067 with glutamine.
Molecular consequence: missense variant.
Genome position (GRCh38, 1-based): chr12:40,298,346, G>A. VCF-style: chr12-40298346-G-A. GRCh37 (hg19) VCF-style: chr12-40692148-G-A.
Other names: short protein forms R1067Q.
Identifiers: ClinVar variation 39161 (VCV000039161.7), dbSNP rs111341148, ClinGen allele CA343533.
Genomic context (GRCh38, chr12:40,298,346, plus strand): 5'-TTACATCATTTCCTTCTTATTTGTTGAAAATGAGTTGTATTGCTAATCTTGATGTCTCTC[G>A]AAATGACATTGGACCCTCAGTGGTTTTAGATCCTACAGTGAAATGTCCAACTCTGAAACA-3'
Protein context (NP_940980.4, residues 1057-1077): MSCIANLDVS[Arg1067Gln]NDIGPSVVLD